The following is an entry in ClinVar:

ClinVar aggregate classification (germline): Pathogenic/Likely pathogenic. Review status: criteria provided, multiple submitters, no conflicts (2 of 4 stars). 2 submissions from 2 submitters: Pathogenic (1); Likely pathogenic (1). Last evaluated 2025-12-07.

Conditions:
Polyglandular autoimmune syndrome, type 1 (APS1). Also called: Autoimmune polyendocrinopathy syndrome, type I; HYPOADRENOCORTICISM WITH HYPOPARATHYROIDISM AND SUPERFICIAL MONILIASIS; PGA I; Autoimmune polyendocrine syndrome type 1; Autoimmune polyendocrinopathy syndrome , type I, with or without reversible metaphyseal dysplasia; Whitaker syndrome. Identifiers: Orphanet 3453, MedGen C0085859, MONDO:0009411, OMIM 240300.

Submissions (2):

Natera, Inc.
Classification: Likely pathogenic for Polyglandular autoimmune syndrome type 1. Last evaluated: 2025-12-07. Review status: criteria provided, single submitter. Criteria: Natera Variant Classification Schema (03/2026). Collection method: clinical testing. Allele origin: germline.
Comment: The c.798dupC variant in AIRE is a frameshift variant predicted to shift the reading frame beginning at codon 267 and leads to a stop codon 4 codons downstream. This variant is expected to result in nonsense mediated decay, truncation, or a dysfunctional protein product. This variant is rare in the general population with a frequency below the threshold expected for the associated phenotype(s). Given the available evidence, this variant is classified as Likely Pathogenic.

Labcorp Genetics (formerly Invitae), Labcorp
Classification: Pathogenic for Polyglandular autoimmune syndrome, type 1. Last evaluated: 2024-01-22. Review status: criteria provided, single submitter. Criteria: Invitae Variant Classification Sherloc (09022015). Collection method: clinical testing. Allele origin: germline.
Comment: This sequence change creates a premature translational stop signal (p.Gly267Argfs*4) in the AIRE gene. It is expected to result in an absent or disrupted protein product. Loss-of-function variants in AIRE are known to be pathogenic (PMID: 11524731, 26141571). This variant is not present in population databases (gnomAD no frequency). This variant has not been reported in the literature in individuals affected with AIRE-related conditions. For these reasons, this variant has been classified as Pathogenic.

Literature cited by the submitters: PubMed 11524731 (cited by Labcorp Genetics (formerly Invitae), Labcorp); PubMed 26141571 (cited by Labcorp Genetics (formerly Invitae), Labcorp).

NM_000383.4(AIRE):c.798dup (p.Gly267fs)

Gene: AIRE (autoimmune regulator; plus strand). Cytogenetic location: 21q22.3.
Variant type: Duplication.
Coding change: c.798dup on transcript NM_000383.4 (MANE Select); coding-DNA position 798, one base duplicated (C; older notation c.798dupC).
Protein change: p.Gly267fs; shifts the reading frame from glycine 267.
Molecular consequence: frameshift variant.
Genome position (GRCh38, 1-based): chr21:44,289,802, C duplicated; the last of 5 consecutive C bases (chr21:44,289,798-44,289,802); duplicating any one gives the same sequence. VCF-style (leftmost placement, unchanged base first): chr21-44289797-G-GC. GRCh37 (hg19) VCF-style: chr21-45709680-G-GC.
Other names: c.798dupC (NM_000383.3); short protein forms G267fs.
Identifiers: ClinVar variation 2955548 (VCV002955548.4), dbSNP rs2040518119, ClinGen allele CA2391566856.